The following is an entry in ClinVar:

ClinVar aggregate classification (germline): Uncertain significance. Review status: criteria provided, multiple submitters, no conflicts (2 of 4 stars). 2 submissions from 2 submitters: Uncertain significance (2). Last evaluated 2025-03-01.

Conditions:
Spastic paraplegia. Identifiers: MedGen C0037772, HP:0001258.
Inborn genetic diseases. Identifiers: MedGen C0950123, MeSH D030342.

Allele frequency attached by ClinVar (database versions not stated): gnomAD 0.00003; gnomAD exomes below 0.00001; TOPMed 0.00006.
gnomAD v4.1: 6 of 1,193,372 alleles (0.0005%); highest among the groups gnomAD compares: African/African-American, 0.0088%; no homozygotes.

Submissions (2):

Labcorp Genetics (formerly Invitae), Labcorp
Classification: Uncertain significance for Spastic paraplegia. Last evaluated: 2025-03-01. Review status: criteria provided, single submitter. Criteria: Invitae Variant Classification Sherloc (09022015). Collection method: clinical testing. Allele origin: germline.
Comment: This sequence change replaces glycine, which is neutral and non-polar, with glutamic acid, which is acidic and polar, at codon 899 of the KDM5C protein (p.Gly899Glu). The frequency data for this variant in the population databases is considered unreliable, as metrics indicate poor data quality at this position in the gnomAD database. This variant has not been reported in the literature in individuals affected with KDM5C-related conditions. ClinVar contains an entry for this variant (Variation ID: 2887285). Invitae Evidence Modeling of protein sequence and biophysical properties (such as structural, functional, and spatial information, amino acid conservation, physicochemical variation, residue mobility, and thermodynamic stability) indicates that this missense variant is not expected to disrupt KDM5C protein function with a negative predictive value of 95%. In summary, the available evidence is currently insufficient to determine the role of this variant in disease. Therefore, it has been classified as a Variant of Uncertain Significance.

Ambry Genetics
Classification: Uncertain significance for Inborn genetic diseases. Last evaluated: 2024-03-19. Review status: criteria provided, single submitter. Criteria: Ambry Variant Classification Scheme 2023. Collection method: clinical testing. Allele origin: germline.

NM_004187.5(KDM5C):c.2696G>A (p.Gly899Glu)

Gene: KDM5C (lysine demethylase 5C; minus strand). Cytogenetic location: Xp11.22.
Variant type: single nucleotide variant.
Coding change: c.2696G>A on transcript NM_004187.5 (MANE Select); coding-DNA position 2696, G replaced by A.
Protein change: p.Gly899Glu; replaces glycine 899 with glutamic acid.
Molecular consequence: missense variant. On other transcripts: non-coding transcript variant (3).
Genome position (GRCh38, 1-based): chrX:53,196,971, C>T on the plus strand (G>A on the coding strand, the complement: KDM5C is on the minus strand). VCF-style: chrX-53196971-C-T. GRCh37 (hg19) VCF-style: chrX-53226153-C-T.
Other names: c.2495G>A, p.Gly832Glu (NM_001146702.2); c.2693G>A, p.Gly898Glu (NM_001282622.3, NM_001353979.2, NM_001353982.2); c.2696G>A, p.Gly899Glu (NM_001353978.3, NM_001353981.2, NM_001353984.2); c.2696G>A (NM_004187.3); short protein forms G899E, G832E, G898E.
Identifiers: ClinVar variation 2887285 (VCV002887285.4), dbSNP rs1457261845, ClinGen allele CA413113556.